The following is an entry in ClinVar:

NM_000784.4(CYP27A1):c.547G>A (p.Asp183Asn)

Gene: CYP27A1 (cytochrome P450 family 27 subfamily A member 1; plus strand). Cytogenetic location: 2q35.
Variant type: single nucleotide variant.
Coding change: c.547G>A on transcript NM_000784.4 (MANE Select); coding-DNA position 547, G replaced by A.
Protein change: p.Asp183Asn; replaces aspartic acid 183 with asparagine.
Molecular consequence: missense variant.
Genome position (GRCh38, 1-based): chr2:218,812,322, G>A. VCF-style: chr2-218812322-G-A. GRCh37 (hg19) VCF-style: chr2-219677045-G-A.
Other names: p.Asp183Asn; c.547G>A (NM_000784.3); short protein forms D183N.
Identifiers: ClinVar variation 1671633 (VCV001671633.10), dbSNP rs751280804, ClinGen allele CA2112646.

ClinVar aggregate classification (germline): Conflicting classifications of pathogenicity. Review status: criteria provided, conflicting classifications (1 of 4 stars). 4 submissions from 4 submitters: Uncertain significance (3); Likely benign (1). Last evaluated 2026-01-29.

Conditions:
Cholestanol storage disease (CTX). Also called: CEREBRAL CHOLESTERINOSIS; CTX: Cerebrotendinous xanthomatosis; Cerebrotendinous Xanthomatosis. Identifiers: Orphanet 909, MedGen C0238052, MONDO:0008948, OMIM 213700.
CYP27A1-related disorder. Also called: CYP27A1-related condition.

Allele frequency attached by ClinVar (database versions not stated): gnomAD 0.00004 and 0.00005; TOPMed 0.00005; gnomAD exomes 0.00006 and 0.00010; ExAC 0.00007.
gnomAD v4.1: 42 of 1,614,114 alleles (0.0026%); highest among the groups gnomAD compares: Admixed American, 0.065%; no homozygotes.

Submissions (4):

GeneDx
Classification: Uncertain significance. Last evaluated: 2026-01-29. Review status: criteria provided, single submitter. Criteria: GeneDx Variant Classification Process June 2021. Collection method: clinical testing. Allele origin: germline.
Comment: The D183N variant effects protein expression, but additional studies are needed to fully elucidate the impact of D183N on CYP17A1 function (PMID: 11737215); In silico analysis suggests that this missense variant does not alter protein structure/function; This variant is associated with the following publications: (PMID: 11737215)

Labcorp Genetics (formerly Invitae), Labcorp
Classification: Likely benign for Cholestanol storage disease. Last evaluated: 2026-01-08. Review status: criteria provided, single submitter. Criteria: Invitae Variant Classification Sherloc (09022015). Collection method: clinical testing. Allele origin: germline.

PreventionGenetics, part of Exact Sciences
Classification: Uncertain significance for CYP27A1-related condition. Last evaluated: 2025-11-14. Review status: criteria provided, single submitter. Criteria: ACMG Guidelines, 2015. Collection method: clinical testing. Allele origin: germline.
Comment: The CYP27A1 c.547G>A variant is predicted to result in the amino acid substitution p.Asp183Asn. To our knowledge, this variant has not been reported in the literature. This variant is reported in 0.073% of alleles in individuals of Latino descent in gnomAD. Although we suspect that this variant may be benign, at this time, the clinical significance of this variant is uncertain due to the absence of conclusive functional and genetic evidence.

Mayo Clinic Laboratories, Mayo Clinic
Classification: Uncertain significance. Last evaluated: 2023-10-04. Review status: criteria provided, single submitter. Criteria: ACMG Guidelines, 2015. Collection method: clinical testing. Allele origin: germline. Observed: 1 variant allele.
Comment: BP4, PM2_moderate

Literature cited by the submitters: PubMed 11737215 (cited by Mayo Clinic Laboratories, Mayo Clinic).